The following is an entry in ClinVar:

ClinVar aggregate classification (germline): Uncertain significance. Review status: criteria provided, multiple submitters, no conflicts (2 of 4 stars). 2 submissions from 2 submitters: Uncertain significance (2). Last evaluated 2026-01-18.

Conditions:
Tuberous sclerosis 1 (TSC1). Identifiers: Orphanet 805, MedGen C1854465, MONDO:0008612, OMIM 191100.
Hereditary cancer-predisposing syndrome. Also called: Hereditary neoplastic syndrome; Neoplastic Syndromes, Hereditary; Tumor predisposition; Hereditary Cancer Syndrome. Identifiers: Orphanet 140162, MedGen C0027672, MeSH D009386, MONDO:0015356.

gnomAD v4.1: 1 of 1,614,068 alleles (0.000062%); highest among the groups gnomAD compares: Non-Finnish European, 0.000085%; no homozygotes.

Submissions (2):

Labcorp Genetics (formerly Invitae), Labcorp
Classification: Uncertain significance for Tuberous sclerosis 1. Last evaluated: 2026-01-18. Review status: criteria provided, single submitter. Criteria: Invitae Variant Classification Sherloc (09022015). Collection method: clinical testing. Allele origin: germline.
Comment: This sequence change replaces histidine, which is basic and polar, with glutamine, which is neutral and polar, at codon 678 of the TSC1 protein (p.His678Gln). This variant is not present in population databases (gnomAD no frequency). This variant has not been reported in the literature in individuals affected with TSC1-related conditions. ClinVar contains an entry for this variant (Variation ID: 1044005). Invitae Evidence Modeling of protein sequence and biophysical properties (such as structural, functional, and spatial information, amino acid conservation, physicochemical variation, residue mobility, and thermodynamic stability) indicates that this missense variant is not expected to disrupt TSC1 protein function with a negative predictive value of 95%. In summary, the available evidence is currently insufficient to determine the role of this variant in disease. Therefore, it has been classified as a Variant of Uncertain Significance.

Ambry Genetics
Classification: Uncertain significance for Hereditary cancer-predisposing syndrome. Last evaluated: 2023-12-15. Review status: criteria provided, single submitter. Criteria: Ambry Variant Classification Scheme 2023. Collection method: clinical testing. Allele origin: germline.
Comment: The p.H678Q variant (also known as c.2034C>G), located in coding exon 14 of the TSC1 gene, results from a C to G substitution at nucleotide position 2034. The histidine at codon 678 is replaced by glutamine, an amino acid with highly similar properties. This amino acid position is conserved. In addition, this alteration is predicted to be deleterious by in silico analysis. Since supporting evidence is limited at this time, the clinical significance of this alteration remains unclear.

NM_000368.5(TSC1):c.2034C>G (p.His678Gln)

Gene: TSC1 (TSC complex subunit 1; minus strand). Cytogenetic location: 9q34.13.
Variant type: single nucleotide variant.
Coding change: c.2034C>G on transcript NM_000368.5 (MANE Select); coding-DNA position 2034, C replaced by G.
Protein change: p.His678Gln; replaces histidine 678 with glutamine.
Molecular consequence: missense variant.
Genome position (GRCh38, 1-based): chr9:132,904,418, G>C on the plus strand (C>G on the coding strand, the complement: TSC1 is on the minus strand). VCF-style: chr9-132904418-G-C. GRCh37 (hg19) VCF-style: chr9-135779805-G-C.
Other names: c.2034C>G (NM_000368.4); c.2031C>G, p.His677Gln (NM_001162426.2); c.1881C>G, p.His627Gln (NM_001162427.2); c.1671C>G, p.His557Gln (NM_001362177.2); short protein forms H557Q, H627Q, H677Q, H678Q.
Identifiers: ClinVar variation 1044005 (VCV001044005.7), dbSNP rs201392975, ClinGen allele CA375361246.
Genomic context (GRCh38, chr9:132,904,418, plus strand): 5'-CAAGCAAGCAGGAACCATGTGGGCTGGATTTGGAGCTAAAGTAACAACTTTACCTCCAAA[G>C]TGGGTCCAGTCGACAGACTTGCTGGGTAAAGGCAACCTAGGAAGAAAGTTTTTGAGTAAC-3'
Protein context (NP_000359.1, residues 668-688): PLPSKSVDWT[His678Gln]FGGSPPSDEI